The following is an entry in ClinVar:

NM_000256.3(MYBPC3):c.2390A>G (p.Tyr797Cys)

Gene: MYBPC3 (myosin binding protein C3; minus strand). Cytogenetic location: 11p11.2.
Variant type: single nucleotide variant.
Coding change: c.2390A>G on transcript NM_000256.3 (MANE Select); coding-DNA position 2390, A replaced by G.
Protein change: p.Tyr797Cys; replaces tyrosine 797 with cysteine.
Molecular consequence: missense variant.
Genome position (GRCh38, 1-based): chr11:47,337,713, T>C on the plus strand (A>G on the coding strand, the complement: MYBPC3 is on the minus strand). VCF-style: chr11-47337713-T-C. GRCh37 (hg19) VCF-style: chr11-47359264-T-C.
Other names: short protein forms Y797C.
Identifiers: ClinVar variation 2978545 (VCV002978545.4), dbSNP rs2495750353, ClinGen allele CA380318671.

ClinVar aggregate classification (germline): Uncertain significance. Review status: criteria provided, multiple submitters, no conflicts (2 of 4 stars). 2 submissions from 2 submitters: Uncertain significance (2). Last evaluated 2026-06-29.

Conditions:
Cardiovascular phenotype. Identifiers: MedGen CN230736.
Hypertrophic cardiomyopathy. Also called: HYPERTROPHIC MYOCARDIOPATHY. Identifiers: Orphanet 217569, MedGen C0007194, MeSH D002312, MONDO:0005045, HP:0001639.

Allele frequency attached by ClinVar (database versions not stated): gnomAD exomes below 0.00001.
gnomAD v4.1: 2 of 1,572,034 alleles (0.00013%); highest among the groups gnomAD compares: Middle Eastern, 0.017%; no homozygotes.

Submissions (2):

Ambry Genetics
Classification: Uncertain significance for Cardiovascular phenotype. Last evaluated: 2026-06-29. Review status: criteria provided, single submitter. Criteria: Ambry Variant Classification Scheme 2023. Collection method: clinical testing. Allele origin: germline.

Labcorp Genetics (formerly Invitae), Labcorp
Classification: Uncertain significance for Hypertrophic cardiomyopathy. Last evaluated: 2025-06-02. Review status: criteria provided, single submitter. Criteria: Invitae Variant Classification Sherloc (09022015). Collection method: clinical testing. Allele origin: germline.
Comment: This sequence change replaces tyrosine, which is neutral and polar, with cysteine, which is neutral and slightly polar, at codon 797 of the MYBPC3 protein (p.Tyr797Cys). This variant is not present in population databases (gnomAD no frequency). This variant has not been reported in the literature in individuals affected with MYBPC3-related conditions. ClinVar contains an entry for this variant (Variation ID: 2978545). An algorithm developed to predict the effect of missense changes on protein structure and function (PolyPhen-2) suggests that this variant is likely to be disruptive. In summary, the available evidence is currently insufficient to determine the role of this variant in disease. Therefore, it has been classified as a Variant of Uncertain Significance.